The following is an entry in ClinVar:

NM_001080397.3(SLC45A1):c.814T>C (p.Phe272Leu)

Gene: SLC45A1 (solute carrier family 45 member 1; plus strand). Cytogenetic location: 1p36.23.
Variant type: single nucleotide variant.
Coding change: c.814T>C on transcript NM_001080397.3 (MANE Select); coding-DNA position 814, T replaced by C.
Protein change: p.Phe272Leu; replaces phenylalanine 272 with leucine.
Molecular consequence: missense variant.
Genome position (GRCh38, 1-based): chr1:8,330,307, T>C. VCF-style: chr1-8330307-T-C. GRCh37 (hg19) VCF-style: chr1-8390367-T-C.
Other names: c.814T>C, p.Phe272Leu (NM_001379614.1); c.721T>C, p.Phe241Leu (NM_001379615.1, NM_001379616.1); c.208T>C, p.Phe70Leu (NM_001379617.1, NM_001379618.1); short protein forms F272L, F241L, F70L.
Identifiers: ClinVar variation 1033649 (VCV001033649.4), dbSNP rs200094048, ClinGen allele CA570222.

ClinVar aggregate classification (germline): Uncertain significance. Review status: criteria provided, multiple submitters, no conflicts (2 of 4 stars). 2 submissions from 2 submitters: Uncertain significance (2). Last evaluated 2025-06-10.

Conditions:
Intellectual developmental disorder with neuropsychiatric features. Identifiers: MedGen C4479636, MONDO:0044322, OMIM 617532.

Allele frequency attached by ClinVar (database versions not stated): gnomAD exomes 0.00010 and 0.00012; gnomAD 0.00011 and 0.00009; TOPMed 0.00009; ExAC 0.00009.
gnomAD v4.1: 197 of 1,613,606 alleles (0.012%); highest among the groups gnomAD compares: Middle Eastern, 0.049%; no homozygotes.

Submissions (2):

Ambry Genetics
Classification: Uncertain significance. Last evaluated: 2025-06-10. Review status: criteria provided, single submitter. Criteria: Ambry Variant Classification Scheme 2023. Collection method: clinical testing. Allele origin: germline.

Baylor Genetics
Classification: Uncertain significance for Intellectual developmental disorder with neuropsychiatric features. Last evaluated: 2018-01-01. Review status: criteria provided, single submitter. Criteria: ACMG Guidelines, 2015. Collection method: clinical testing. Allele origin: maternal. Affected: yes.
Comment: This variant was determined to be of uncertain significance according to ACMG Guidelines, 2015 [PMID:25741868].